The following is an entry in ClinVar:

ClinVar aggregate classification (germline): Uncertain significance. Review status: criteria provided, multiple submitters, no conflicts (2 of 4 stars). 2 submissions from 2 submitters: Uncertain significance (2). Last evaluated 2024-09-13.

Conditions:
Inborn genetic diseases. Identifiers: MedGen C0950123, MeSH D030342.

Allele frequency attached by ClinVar (database versions not stated): gnomAD exomes below 0.00001.
gnomAD v4.1: 2 of 1,209,971 alleles (0.00017%); highest among the groups gnomAD compares: Non-Finnish European, 0.00022%; no homozygotes.

Submissions (2):

Mayo Clinic Laboratories, Mayo Clinic
Classification: Uncertain significance. Last evaluated: 2024-09-13. Review status: criteria provided, single submitter. Criteria: ACMG Guidelines, 2015. Collection method: clinical testing. Allele origin: germline. Observed: 1 variant allele.
Comment: PM2

Ambry Genetics
Classification: Uncertain significance for Inborn genetic diseases. Last evaluated: 2016-07-06. Review status: criteria provided, single submitter. Criteria: Ambry Variant Classification Scheme 2023. Collection method: clinical testing. Allele origin: germline.
Comment: The p.A84S variant (also known as c.250G>T), located in coding exon 3 of the PLP1 gene, results from a G to T substitution at nucleotide position 250. The alanine at codon 84 is replaced by serine, an amino acid with similar properties. This variant was not reported in population based cohorts in the following databases: Database of Single Nucleotide Polymorphisms (dbSNP), NHLBI Exome Sequencing Project (ESP), and 1000 Genomes Project. In the ESP, this variant was not observed in 6503 samples with coverage at this position. This amino acid position is highly conserved through mammals but not in all available vertebrate species. In addition, the in silico prediction for this alteration is inconclusive. Since supporting evidence is limited at this time, the clinical significance of this alteration remains unclear.

NM_000533.5(PLP1):c.250G>T (p.Ala84Ser)

Genes: PLP1 (proteolipid protein 1; plus strand), RAB9B (RAB9B, member RAS oncogene family; minus strand). Cytogenetic location: Xq22.2.
Variant type: single nucleotide variant.
Coding change: c.250G>T on transcript NM_000533.5 (MANE Select); coding-DNA position 250, G replaced by T.
Protein change: p.Ala84Ser; replaces alanine 84 with serine.
Molecular consequence: missense variant.
Genome position (GRCh38, 1-based): chrX:103,786,523, G>T. VCF-style: chrX-103786523-G-T. GRCh37 (hg19) VCF-style: chrX-103041452-G-T.
Other names: p.Ala84Ser; c.250G>T, p.Ala84Ser (NM_001128834.3, NM_199478.3); c.85G>T, p.Ala29Ser (NM_001305004.1); short protein forms A84S, A29S.
Identifiers: ClinVar variation 589260 (VCV000589260.6), dbSNP rs1569427598, ClinGen allele CA414102527.
Genomic context (GRCh38, chrX:103,786,523, plus strand): 5'-AGGATCCATGCCTTCCAGTATGTCATCTATGGAACTGCCTCTTTCTTCTTCCTTTATGGG[G>T]CCCTCCTGCTGGCTGAGGGCTTCTACACCACCGGCGCAGTCAGGCAGATCTTTGGCGACT-3'
Protein context (NP_000524.3, residues 74-94): GTASFFFLYG[Ala84Ser]LLLAEGFYTT